The following is an entry in ClinVar:

ClinVar aggregate classification (germline): Uncertain significance. Review status: criteria provided, multiple submitters, no conflicts (2 of 4 stars). 2 submissions from 2 submitters: Uncertain significance (2). Last evaluated 2025-08-08.

Conditions:
Cataract 5 multiple types (CTRCT5). Also called: CATARACT, MARNER TYPE; CATARACT 5, LAMELLAR; Lamellar cataract. Identifiers: Orphanet 91492, MedGen C0266537, MONDO:0007290, OMIM 116800, HP:0007971.
Inborn genetic diseases. Identifiers: MedGen C0950123, MeSH D030342.

Allele frequency attached by ClinVar (database versions not stated): ESP Exome Variant Server 0.00008.
gnomAD v4.1: 32 of 1,607,852 alleles (0.002%); highest among the groups gnomAD compares: African/African-American, 0.0067%; no homozygotes.

Submissions (2):

Ambry Genetics
Classification: Uncertain significance for Inborn genetic diseases. Last evaluated: 2025-08-08. Review status: criteria provided, single submitter. Criteria: Ambry Variant Classification Scheme 2023. Collection method: clinical testing. Allele origin: germline.

Labcorp Genetics (formerly Invitae), Labcorp
Classification: Uncertain significance for Cataract 5 multiple types. Last evaluated: 2022-05-10. Review status: criteria provided, single submitter. Criteria: Invitae Variant Classification Sherloc (09022015). Collection method: clinical testing. Allele origin: germline.
Comment: In summary, the available evidence is currently insufficient to determine the role of this variant in disease. Therefore, it has been classified as a Variant of Uncertain Significance. Algorithms developed to predict the effect of missense changes on protein structure and function are either unavailable or do not agree on the potential impact of this missense change (SIFT: "Deleterious"; PolyPhen-2: "Possibly Damaging"; Align-GVGD: "Class C15"). This variant has not been reported in the literature in individuals affected with HSF4-related conditions. This variant is present in population databases (rs375514297, gnomAD 0.009%). This sequence change replaces arginine, which is basic and polar, with serine, which is neutral and polar, at codon 108 of the HSF4 protein (p.Arg108Ser).

NM_001374675.1(HSF4):c.322C>A (p.Arg108Ser)

Gene: HSF4 (heat shock transcription factor 4; plus strand). Cytogenetic location: 16q22.1.
Variant type: single nucleotide variant.
Coding change: c.322C>A on transcript NM_001374675.1 (MANE Select); coding-DNA position 322, C replaced by A.
Protein change: p.Arg108Ser; replaces arginine 108 with serine.
Molecular consequence: missense variant.
Genome position (GRCh38, 1-based): chr16:67,165,808, C>A. VCF-style: chr16-67165808-C-A. GRCh37 (hg19) VCF-style: chr16-67199711-C-A.
Other names: c.322C>A, p.Arg108Ser (NM_001040667.3, NM_001374674.1, NM_001538.4); c.322C>A (NM_001538.3); short protein forms R108S.
Identifiers: ClinVar variation 1971528 (VCV001971528.6), dbSNP rs375514297, ClinGen allele CA282289303.